The following is an entry in ClinVar:

ClinVar aggregate classification (germline): Uncertain significance (1 of 4 stars; one submission).

Conditions:
46,XY sex reversal 9 (SRXY9). Also called: 46,XY SEX REVERSAL, ZFPM2-RELATED. Identifiers: Orphanet 251510, MedGen C4015129, MONDO:0014480, OMIM 616067.

Submission:

Labcorp Genetics (formerly Invitae), Labcorp
Classification: Uncertain significance for 46,XY sex reversal 9. Last evaluated: 2022-03-04. Review status: criteria provided, single submitter. Criteria: Invitae Variant Classification Sherloc (09022015). Collection method: clinical testing. Allele origin: germline.
Comment: This sequence change replaces aspartic acid, which is acidic and polar, with glutamic acid, which is acidic and polar, at codon 1030 of the ZFPM2 protein (p.Asp1030Glu). This variant is not present in population databases (gnomAD no frequency). This variant has not been reported in the literature in individuals affected with ZFPM2-related conditions. Algorithms developed to predict the effect of missense changes on protein structure and function output the following: SIFT: "Tolerated"; PolyPhen-2: "Benign"; Align-GVGD: "Class C0". The glutamic acid amino acid residue is found in multiple mammalian species, which suggests that this missense change does not adversely affect protein function. In summary, the available evidence is currently insufficient to determine the role of this variant in disease. Therefore, it has been classified as a Variant of Uncertain Significance.

NM_012082.4(ZFPM2):c.3090T>G (p.Asp1030Glu)

Genes: ZFPM2 (zinc finger protein, FOG family member 2; plus strand), ZFPM2-AS1 (ZFPM2 antisense RNA 1; minus strand), LOC126860469 (BRD4-independent group 4 enhancer GRCh37_chr8:106814445-106815644; plus strand). Cytogenetic location: 8q23.1.
Variant type: single nucleotide variant.
Coding change: c.3090T>G on transcript NM_012082.4 (MANE Select); coding-DNA position 3090, T replaced by G.
Protein change: p.Asp1030Glu; replaces aspartic acid 1030 with glutamic acid.
Molecular consequence: missense variant.
Genome position (GRCh38, 1-based): chr8:105,803,172, T>G. VCF-style: chr8-105803172-T-G. GRCh37 (hg19) VCF-style: chr8-106815400-T-G.
Other names: c.2931T>G, p.Asp977Glu (NM_001362836.2); c.2694T>G, p.Asp898Glu (NM_001362837.2); short protein forms D977E, D1030E, D898E.
Identifiers: ClinVar variation 1949712 (VCV001949712.5), dbSNP rs2488164202, ClinGen allele CA371955897.